The following is an entry in ClinVar:

ClinVar aggregate classification (germline): Uncertain significance (1 of 4 stars; one submission).

Submission:

Mayo Clinic Laboratories, Mayo Clinic
Classification: Uncertain significance. Last evaluated: 2025-05-05. Review status: criteria provided, single submitter. Criteria: ACMG Guidelines, 2015. Collection method: clinical testing. Allele origin: germline. Observed: 1 variant allele.
Comment: BP4

NM_001368882.1(COL13A1):c.1274C>T (p.Pro425Leu)

Gene: COL13A1 (collagen type XIII alpha 1 chain; plus strand). Cytogenetic location: 10q22.1.
Variant type: single nucleotide variant.
Coding change: c.1274C>T on transcript NM_001368882.1 (MANE Select); coding-DNA position 1274, C replaced by T.
Protein change: p.Pro425Leu; replaces proline 425 with leucine.
Molecular consequence: missense variant.
Genome position (GRCh38, 1-based): chr10:69,923,845, C>T. VCF-style: chr10-69923845-C-T. GRCh37 (hg19) VCF-style: chr10-71683601-C-T.
Other names: p.Pro414Leu; c.1211C>T, p.Pro404Leu (NM_001368884.1, NM_001320951.2); c.1175C>T, p.Pro392Leu (NM_001368885.1, NM_080801.4, NM_080802.4); c.611C>T, p.Pro204Leu (NM_001368886.1); c.1184C>T, p.Pro395Leu (NM_001368895.1, NM_080800.4); c.1070C>T, p.Pro357Leu (NM_001368896.1, NM_001368898.1, NM_080798.4); c.1097C>T, p.Pro366Leu (NM_001368897.1); c.1241C>T, p.Pro414Leu (NM_001130103.2); and 2 more; short protein forms P204L, P366L, P392L, P404L, P395L, P357L, P363L, P413L.
Identifiers: ClinVar variation 4541547 (VCV004541547.1).